The following is an entry in ClinVar:

NM_001364905.1(LRBA):c.3568A>G (p.Met1190Val)

Gene: LRBA (LPS responsive beige-like anchor protein; minus strand). Cytogenetic location: 4q31.3.
Variant type: single nucleotide variant.
Coding change: c.3568A>G on transcript NM_001364905.1 (MANE Select); coding-DNA position 3568, A replaced by G.
Protein change: p.Met1190Val; replaces methionine 1190 with valine.
Molecular consequence: missense variant.
Genome position (GRCh38, 1-based): chr4:150,852,142, T>C on the plus strand (A>G on the coding strand, the complement: LRBA is on the minus strand). VCF-style: chr4-150852142-T-C. GRCh37 (hg19) VCF-style: chr4-151773294-T-C.
Other names: p.Met1190Val; c.3568A>G, p.Met1190Val (NM_001199282.3, NM_001367550.1, NM_006726.5); short protein forms M1190V.
Identifiers: ClinVar variation 282001 (VCV000282001.21), dbSNP rs138173151, ClinGen allele CA3103023.

ClinVar aggregate classification (germline): Benign/Likely benign. Review status: criteria provided, multiple submitters, no conflicts (2 of 4 stars). 7 submissions from 7 submitters: Benign (4); Likely benign (2). 1 of the submissions does not count toward it. Last evaluated 2026-04-06.

Conditions:
LRBA-related disorder. Also called: LRBA-related condition.
Combined immunodeficiency due to LRBA deficiency. Also called: Common variable immunodeficiency 8, with autoimmunity. Identifiers: Orphanet 445018, MedGen C3553512, MONDO:0013863, OMIM 614700.

Allele frequency attached by ClinVar (database versions not stated): ESP Exome Variant Server 0.00023; gnomAD exomes 0.00074 and 0.00338; ExAC 0.00227; gnomAD 0.00279 and 0.00282; 1000 Genomes Project 0.00300; 1000 Genomes Project 30x 0.00328; TOPMed 0.00393.

Submissions (7):

Women's Health and Genetics/Laboratory Corporation of America, LabCorp
Classification: Likely benign. Last evaluated: 2026-04-06. Review status: criteria provided, single submitter. Criteria: LabCorp Variant Classification Summary - May 2015. Collection method: clinical testing. Allele origin: germline.

Labcorp Genetics (formerly Invitae), Labcorp
Classification: Benign for Combined immunodeficiency due to LRBA deficiency. Last evaluated: 2026-02-04. Review status: criteria provided, single submitter. Criteria: Invitae Variant Classification Sherloc (09022015). Collection method: clinical testing. Allele origin: germline.

Blueprint Genetics
Classification: Likely benign. Last evaluated: 2024-11-04. Review status: criteria provided, single submitter. Criteria: ACMG Guidelines, 2015. Collection method: clinical testing. Allele origin: germline.

Mayo Clinic Laboratories, Mayo Clinic
Classification: Benign. Last evaluated: 2024-03-01. Review status: criteria provided, single submitter. Criteria: ACMG Guidelines, 2015. Collection method: clinical testing. Allele origin: germline. Observed: 6 variant alleles.
Comment: BS1, BS2, BP4

ARUP Laboratories, Molecular Genetics and Genomics, ARUP Laboratories
Classification: Benign for Combined immunodeficiency due to LRBA deficiency. Last evaluated: 2023-12-22. Review status: criteria provided, single submitter. Criteria: ARUP Molecular Germline Variant Investigation Process 2024. Collection method: clinical testing. Allele origin: germline.

Eurofins Ntd Llc (ga)
Classification: Benign. Last evaluated: 2015-07-27. Review status: criteria provided, single submitter. Criteria: EGL Classification Definitions 2015. Collection method: clinical testing. Allele origin: germline. Observed: 1 variant allele, 1 heterozygote.

PreventionGenetics, part of Exact Sciences
Classification: Benign for LRBA-related condition. Last evaluated: 2019-06-12. Review status: no assertion criteria provided. Collection method: clinical testing. Allele origin: germline. Not counted in ClinVar's aggregate classification.
Comment: This variant is classified as benign based on ACMG/AMP sequence variant interpretation guidelines (Richards et al. 2015 PMID: 25741868, with internal and published modifications).